The following is an entry in ClinVar:

ClinVar aggregate classification (germline): Uncertain significance (1 of 4 stars; one submission).

Conditions:
Microcephaly-intellectual disability-sensorineural hearing loss-epilepsy-abnormal muscle tone syndrome (NEDHSB). Also called: NEURODEVELOPMENTAL DISORDER WITH HEARING LOSS, SEIZURES, AND BRAIN ABNORMALITIES. Identifiers: Orphanet 457351, MedGen C4225276, MONDO:0014698, OMIM 616577.

Submission:

Labcorp Genetics (formerly Invitae), Labcorp
Classification: Uncertain significance for Microcephaly-intellectual disability-sensorineural hearing loss-epilepsy-abnormal muscle tone syndrome. Last evaluated: 2021-09-03. Review status: criteria provided, single submitter. Criteria: Invitae Variant Classification Sherloc (09022015). Collection method: clinical testing. Allele origin: germline.
Comment: This variant has not been reported in the literature in individuals affected with SPATA5-related conditions. This variant is not present in population databases (ExAC no frequency). This sequence change replaces proline with serine at codon 460 of the SPATA5 protein (p.Pro460Ser). The proline residue is highly conserved and there is a moderate physicochemical difference between proline and serine. In summary, the available evidence is currently insufficient to determine the role of this variant in disease. Therefore, it has been classified as a Variant of Uncertain Significance. Advanced modeling of protein sequence and biophysical properties (such as structural, functional, and spatial information, amino acid conservation, physicochemical variation, residue mobility, and thermodynamic stability) performed at Invitae indicates that this missense variant is expected to disrupt SPATA5 protein function.

NM_145207.3(AFG2A):c.1378C>T (p.Pro460Ser)

Gene: AFG2A (AAA ATPase AFG2A; plus strand). Cytogenetic location: 4q28.1.
Variant type: single nucleotide variant.
Coding change: c.1378C>T on transcript NM_145207.3 (MANE Select); coding-DNA position 1378, C replaced by T.
Protein change: p.Pro460Ser; replaces proline 460 with serine.
Molecular consequence: missense variant.
Genome position (GRCh38, 1-based): chr4:122,938,169, C>T. VCF-style: chr4-122938169-C-T. GRCh37 (hg19) VCF-style: chr4-123859324-C-T.
Other names: c.1375C>T, p.Pro459Ser (NM_001317799.2, NM_001345856.2); short protein forms P459S, P460S.
Identifiers: ClinVar variation 1440123 (VCV001440123.5), dbSNP rs2125746945, ClinGen allele CA358106112.